The following is an entry in ClinVar:

ClinVar aggregate classification (germline): Uncertain significance (1 of 4 stars; one submission).

Conditions:
Muscular dystrophy-dystroglycanopathy type B6 (MDDGB6). Also called: MUSCULAR DYSTROPHY-DYSTROGLYCANOPATHY (CONGENITAL WITH IMPAIRED INTELLECTUAL DEVELOPMENT), TYPE B, 6; MUSCULAR DYSTROPHY, CONGENITAL, LARGE-RELATED; MUSCULAR DYSTROPHY, CONGENITAL, TYPE 1D. Identifiers: MedGen C1837229, MONDO:0012138, OMIM 608840.

Submission:

Labcorp Genetics (formerly Invitae), Labcorp
Classification: Uncertain significance for Muscular dystrophy-dystroglycanopathy type B6. Last evaluated: 2021-08-31. Review status: criteria provided, single submitter. Criteria: Invitae Variant Classification Sherloc (09022015). Collection method: clinical testing. Allele origin: germline.
Comment: This sequence change replaces threonine with isoleucine at codon 621 of the LARGE1 protein (p.Thr621Ile). The threonine residue is highly conserved and there is a moderate physicochemical difference between threonine and isoleucine. This variant is not present in population databases (ExAC no frequency). This variant has not been reported in the literature in individuals affected with LARGE1-related conditions. Algorithms developed to predict the effect of missense changes on protein structure and function are either unavailable or do not agree on the potential impact of this missense change (SIFT: "Deleterious"; PolyPhen-2: "Benign"; Align-GVGD: "Class C0"). In summary, the available evidence is currently insufficient to determine the role of this variant in disease. Therefore, it has been classified as a Variant of Uncertain Significance.

NM_133642.5(LARGE1):c.1862C>T (p.Thr621Ile)

Gene: LARGE1 (LARGE xylosyl- and glucuronyltransferase 1; minus strand). Cytogenetic location: 22q12.3.
Variant type: single nucleotide variant.
Coding change: c.1862C>T on transcript NM_133642.5 (MANE Select); coding-DNA position 1862, C replaced by T.
Protein change: p.Thr621Ile; replaces threonine 621 with isoleucine.
Molecular consequence: missense variant. On other transcripts: intron variant (3).
Genome position (GRCh38, 1-based): chr22:33,283,217, G>A on the plus strand (C>T on the coding strand, the complement: LARGE1 is on the minus strand). VCF-style: chr22-33283217-G-A. GRCh37 (hg19) VCF-style: chr22-33679203-G-A.
Other names: c.1862C>T, p.Thr621Ile (NM_001362949.2, NM_001362951.2, NM_001362953.2 and 4 more transcripts); c.1706C>T, p.Thr569Ile (NM_001378629.1); c.1259C>T, p.Thr420Ile (NM_001378630.1); c.1731-5962C>T (NM_001378627.1, NM_001378628.1); c.972-5962C>T (NM_001378631.1); short protein forms T420I, T569I, T621I.
Identifiers: ClinVar variation 1045604 (VCV001045604.8), dbSNP rs1930806932, ClinGen allele CA411543258.
Genomic context (GRCh38, chr22:33,283,217, plus strand): 5'-AAGGCCTTCGAGCACCCCCAGAGTACAGCAGCTAGAGCCACTCACCTGAATGTGAAGAGG[G>A]TCCCCATGTCCAGCATTGACAGCAACTCCGCTTTTGACTTGGGGAAGGACAGCCGGTAGC-3'
Protein context (NP_598397.1, residues 611-631): AELLSMLDMG[Thr621Ile]LFTFRYHVWT